The following is an entry in ClinVar:

NM_001458.5(FLNC):c.4256T>C (p.Val1419Ala)

Gene: FLNC (filamin C; plus strand). Cytogenetic location: 7q32.1.
Variant type: single nucleotide variant.
Coding change: c.4256T>C on transcript NM_001458.5 (MANE Select); coding-DNA position 4256, T replaced by C.
Protein change: p.Val1419Ala; replaces valine 1419 with alanine.
Molecular consequence: missense variant.
Genome position (GRCh38, 1-based): chr7:128,846,873, T>C. VCF-style: chr7-128846873-T-C. GRCh37 (hg19) VCF-style: chr7-128486927-T-C.
Other names: c.4256T>C, p.Val1419Ala (NM_001127487.2); short protein forms V1419A.
Identifiers: ClinVar variation 1492548 (VCV001492548.8), dbSNP rs2128937054, ClinGen allele CA369200879.

ClinVar aggregate classification (germline): Uncertain significance (1 of 4 stars; one submission).

Conditions:
Myofibrillar myopathy 5. Also called: FILAMINOPATHY, AUTOSOMAL DOMINANT; Filaminopathy (type). Identifiers: Orphanet 171445, MedGen C1836050, MONDO:0012289, OMIM 609524.
Distal myopathy with posterior leg and anterior hand involvement. Also called: WILLIAMS DISTAL MYOPATHY. Identifiers: Orphanet 63273, MedGen C3279722, MONDO:0013550, OMIM 614065.
Hypertrophic cardiomyopathy 26. Also called: Cardiomyopathy, familial hypertrophic, 26. Identifiers: Orphanet 75249, MedGen C4310749, MONDO:0014883, OMIM 617047.

Submission:

Labcorp Genetics (formerly Invitae), Labcorp
Classification: Uncertain significance for Distal myopathy with posterior leg and anterior hand involvement; Myofibrillar myopathy 5; Hypertrophic cardiomyopathy 26. Last evaluated: 2024-10-29. Review status: criteria provided, single submitter. Criteria: Invitae Variant Classification Sherloc (09022015). Collection method: clinical testing. Allele origin: germline.
Comment: This sequence change replaces valine, which is neutral and non-polar, with alanine, which is neutral and non-polar, at codon 1419 of the FLNC protein (p.Val1419Ala). This variant is not present in population databases (gnomAD no frequency). This variant has not been reported in the literature in individuals affected with FLNC-related conditions. ClinVar contains an entry for this variant (Variation ID: 1492548). Invitae Evidence Modeling of protein sequence and biophysical properties (such as structural, functional, and spatial information, amino acid conservation, physicochemical variation, residue mobility, and thermodynamic stability) has been performed for this missense variant. However, the output from this modeling did not meet the statistical confidence thresholds required to predict the impact of this variant on FLNC protein function. In summary, the available evidence is currently insufficient to determine the role of this variant in disease. Therefore, it has been classified as a Variant of Uncertain Significance.